The following is an entry in ClinVar:

NM_001035.3(RYR2):c.13841G>C (p.Gly4614Ala)

Gene: RYR2 (ryanodine receptor 2; plus strand). Cytogenetic location: 1q43.
Variant type: single nucleotide variant.
Coding change: c.13841G>C on transcript NM_001035.3 (MANE Select); coding-DNA position 13841, G replaced by C.
Protein change: p.Gly4614Ala; replaces glycine 4614 with alanine.
Molecular consequence: missense variant.
Genome position (GRCh38, 1-based): chr1:237,793,925, G>C. VCF-style: chr1-237793925-G-C. GRCh37 (hg19) VCF-style: chr1-237957225-G-C.
Other names: short protein forms G4614A.
Identifiers: ClinVar variation 4531129 (VCV004531129.1).

ClinVar aggregate classification (germline): Uncertain significance (1 of 4 stars; one submission).

Submission:

GeneDx
Classification: Uncertain significance. Last evaluated: 2025-05-22. Review status: criteria provided, single submitter. Criteria: GeneDx Variant Classification Process June 2021. Collection method: clinical testing. Allele origin: germline. Affected: yes.
Comment: Not observed at significant frequency in large population cohorts (gnomAD); In silico analysis supports that this missense variant has a deleterious effect on protein structure/function; Has not been previously published as pathogenic or benign to our knowledge; Located in one of the three hot-spot regions of the RYR2 gene, where the majority of pathogenic missense variants occur (PMID: 19926015); This variant is associated with the following publications: (PMID: 19926015)